The following is an entry in ClinVar:

NM_139319.3(SLC17A8):c.211G>A (p.Gly71Ser)

Gene: SLC17A8 (solute carrier family 17 member 8; plus strand). Cytogenetic location: 12q23.1.
Variant type: single nucleotide variant.
Coding change: c.211G>A on transcript NM_139319.3 (MANE Select); coding-DNA position 211, G replaced by A.
Protein change: p.Gly71Ser; replaces glycine 71 with serine.
Molecular consequence: missense variant.
Genome position (GRCh38, 1-based): chr12:100,380,810, G>A. VCF-style: chr12-100380810-G-A. GRCh37 (hg19) VCF-style: chr12-100774588-G-A.
Other names: c.211G>A, p.Gly71Ser (NM_001145288.2); short protein forms G71S.
Identifiers: ClinVar variation 2428983 (VCV002428983.3), dbSNP rs769738794, ClinGen allele CA6738698.

ClinVar aggregate classification (germline): Uncertain significance (1 of 4 stars; one submission).

Allele frequency attached by ClinVar (database versions not stated): gnomAD exomes 0.00002; TOPMed 0.00002; ExAC 0.00007.

Submission:

GeneDx
Classification: Uncertain significance. Last evaluated: 2022-08-02. Review status: criteria provided, single submitter. Criteria: GeneDx Variant Classification Process June 2021. Collection method: clinical testing. Allele origin: germline. Affected: yes.
Comment: In silico analysis supports that this missense variant does not alter protein structure/function; Has not been previously published as pathogenic or benign to our knowledge